The following is an entry in ClinVar:

ClinVar aggregate classification (germline): Uncertain significance (1 of 4 stars; one submission).

Conditions:
Intellectual disability, autosomal dominant 14 (CSS2). Also called: COFFIN-SIRIS SYNDROME 2. Identifiers: Orphanet 1465, MedGen C3553247, MONDO:0013819, OMIM 614607.

Submission:

Dasa
Classification: Uncertain significance for Intellectual disability, autosomal dominant 14. Last evaluated: 2025-05-28. Review status: criteria provided, single submitter. Criteria: DASA Assertion Criteria. Collection method: clinical testing. Allele origin: germline.
Comment: NM_006015.6(ARID1A):c.5977T>G (p.Phe1993Val) is a missense variant that results in the substitution of phenylalanine with valine. This variant is rare in population databases. Computational prediction algorithms are consistent with a deleterious effect. The currently available literature and clinical evidence are not sufficient to establish a definitive association between this variant and the reported condition. Therefore, this variant is classified as a variant of uncertain significance.

NM_006015.6(ARID1A):c.5977T>G (p.Phe1993Val)

Gene: ARID1A (AT-rich interaction domain 1A; plus strand). Cytogenetic location: 1p36.11.
Variant type: single nucleotide variant.
Coding change: c.5977T>G on transcript NM_006015.6 (MANE Select); coding-DNA position 5977, T replaced by G.
Protein change: p.Phe1993Val; replaces phenylalanine 1993 with valine.
Molecular consequence: missense variant.
Genome position (GRCh38, 1-based): chr1:26,779,875, T>G. VCF-style: chr1-26779875-T-G. GRCh37 (hg19) VCF-style: chr1-27106366-T-G.
Other names: c.5326T>G, p.Phe1776Val (NM_139135.4); short protein forms F1776V, F1993V.
Identifiers: ClinVar variation 4881766 (VCV004881766.2).